The following is an entry in ClinVar:

ClinVar aggregate classification (germline): Uncertain significance (1 of 4 stars; one submission).

Submission:

Labcorp Genetics (formerly Invitae), Labcorp
Classification: Uncertain significance. Last evaluated: 2021-06-03. Review status: criteria provided, single submitter. Criteria: Invitae Variant Classification Sherloc (09022015). Collection method: clinical testing. Allele origin: germline.
Comment: This variant is not present in population databases (ExAC no frequency). This variant has not been reported in the literature in individuals with TRAF3IP1-related conditions. Algorithms developed to predict the effect of missense changes on protein structure and function (SIFT, PolyPhen-2, Align-GVGD) all suggest that this variant is likely to be tolerated, but these predictions have not been confirmed by published functional studies and their clinical significance is uncertain. In summary, the available evidence is currently insufficient to determine the role of this variant in disease. Therefore, it has been classified as a Variant of Uncertain Significance. This sequence change replaces asparagine with lysine at codon 449 of the TRAF3IP1 protein (p.Asn449Lys). The asparagine residue is weakly conserved and there is a moderate physicochemical difference between asparagine and lysine.

NM_015650.4(TRAF3IP1):c.1347T>G (p.Asn449Lys)

Gene: TRAF3IP1 (TRAF3 interacting protein 1; plus strand). Cytogenetic location: 2q37.3.
Variant type: single nucleotide variant.
Coding change: c.1347T>G on transcript NM_015650.4 (MANE Select); coding-DNA position 1347, T replaced by G.
Protein change: p.Asn449Lys; replaces asparagine 449 with lysine.
Molecular consequence: missense variant.
Genome position (GRCh38, 1-based): chr2:238,348,828, T>G. VCF-style: chr2-238348828-T-G. GRCh37 (hg19) VCF-style: chr2-239257469-T-G.
Other names: c.1149T>G, p.Asn383Lys (NM_001139490.1); short protein forms N449K, N383K.
Identifiers: ClinVar variation 1358024 (VCV001358024.8), dbSNP rs2106392555, ClinGen allele CA351232153.